The following is an entry in ClinVar:

ClinVar aggregate classification (germline): Uncertain significance (1 of 4 stars; one submission).

Submission:

Labcorp Genetics (formerly Invitae), Labcorp
Classification: Uncertain significance. Last evaluated: 2019-09-28. Review status: criteria provided, single submitter. Criteria: Invitae Variant Classification Sherloc (09022015). Collection method: clinical testing. Allele origin: germline.
Comment: In summary, the available evidence is currently insufficient to determine the role of this variant in disease. Therefore, it has been classified as a Variant of Uncertain Significance. Algorithms developed to predict the effect of missense changes on protein structure and function are either unavailable or do not agree on the potential impact of this missense change (SIFT: "Deleterious"; PolyPhen-2: "Possibly Damaging"; Align-GVGD: "Class C0"). This variant has not been reported in the literature in individuals with ADGRV1-related conditions. This variant is not present in population databases (ExAC no frequency). This sequence change replaces arginine with glycine at codon 4672 of the ADGRV1 protein (p.Arg4672Gly). The arginine residue is highly conserved and there is a moderate physicochemical difference between arginine and glycine.

NM_032119.4(ADGRV1):c.14014A>G (p.Arg4672Gly)

Gene: ADGRV1 (adhesion G protein-coupled receptor V1; plus strand). Cytogenetic location: 5q14.3.
Variant type: single nucleotide variant.
Coding change: c.14014A>G on transcript NM_032119.4 (MANE Select); coding-DNA position 14014, A replaced by G.
Protein change: p.Arg4672Gly; replaces arginine 4672 with glycine.
Molecular consequence: missense variant. On other transcripts: non-coding transcript variant (1).
Genome position (GRCh38, 1-based): chr5:90,789,822, A>G. VCF-style: chr5-90789822-A-G. GRCh37 (hg19) VCF-style: chr5-90085639-A-G.
Other names: short protein forms R4672G.
Identifiers: ClinVar variation 936012 (VCV000936012.9), dbSNP rs1759873474, ClinGen allele CA360399063.